The following is an entry in ClinVar:

ClinVar aggregate classification (germline): Uncertain significance (1 of 4 stars; one submission).

Conditions:
Autosomal dominant nonsyndromic hearing loss 65. Also called: Deafness, autosomal dominant 65; TBC1D24-Related Autosomal Dominant Nonsyndromic Hearing Loss (DFNA). Identifiers: Orphanet 90635, MedGen C3892048, MONDO:0014470, OMIM 616044.
Developmental and epileptic encephalopathy, 1 (DEE1). Also called: X-linked infantile spasms; West's syndrome; Tonic spasms with clustering, arrest of psychomotor development and hypsarrhythmia on EEG; X-Linked Infantile Spasm Syndrome; OHTAHARA SYNDROME, X-LINKED; INFANTILE SPASM SYNDROME, X-LINKED 1. Identifiers: MedGen C3463992, MONDO:0010632, OMIM 308350. Disease mechanism: loss of function.

Allele frequency attached by ClinVar (database versions not stated): gnomAD exomes 0.00001; gnomAD 0.00001; TOPMed below 0.00001.

Submission:

Labcorp Genetics (formerly Invitae), Labcorp
Classification: Uncertain significance for Developmental and epileptic encephalopathy, 1; Autosomal dominant nonsyndromic hearing loss 65. Last evaluated: 2022-01-16. Review status: criteria provided, single submitter. Criteria: Invitae Variant Classification Sherloc (09022015). Collection method: clinical testing. Allele origin: germline.
Comment: In summary, the available evidence is currently insufficient to determine the role of this variant in disease. Therefore, it has been classified as a Variant of Uncertain Significance. Advanced modeling of protein sequence and biophysical properties (such as structural, functional, and spatial information, amino acid conservation, physicochemical variation, residue mobility, and thermodynamic stability) performed at Invitae indicates that this missense variant is not expected to disrupt TBC1D24 protein function. This variant has not been reported in the literature in individuals affected with TBC1D24-related conditions. This variant is present in population databases (no rsID available, gnomAD 0.01%). This sequence change replaces glycine, which is neutral and non-polar, with arginine, which is basic and polar, at codon 257 of the TBC1D24 protein (p.Gly257Arg).

NM_001199107.2(TBC1D24):c.769G>A (p.Gly257Arg)

Gene: TBC1D24 (TBC1 domain family member 24; plus strand). Cytogenetic location: 16p13.3.
Variant type: single nucleotide variant.
Coding change: c.769G>A on transcript NM_001199107.2 (MANE Select); coding-DNA position 769, G replaced by A.
Protein change: p.Gly257Arg; replaces glycine 257 with arginine.
Molecular consequence: missense variant.
Genome position (GRCh38, 1-based): chr16:2,496,917, G>A. VCF-style: chr16-2496917-G-A. GRCh37 (hg19) VCF-style: chr16-2546918-G-A.
Other names: c.769G>A, p.Gly257Arg (NM_020705.3); short protein forms G257R.
Identifiers: ClinVar variation 2146347 (VCV002146347.4), dbSNP rs1440897868, ClinGen allele CA394377239.